The following is an entry in ClinVar:

ClinVar aggregate classification (germline): Uncertain significance (1 of 4 stars; one submission).

Submission:

Ambry Genetics
Classification: Uncertain significance. Last evaluated: 2024-07-02. Review status: criteria provided, single submitter. Criteria: Ambry Variant Classification Scheme 2023. Collection method: clinical testing. Allele origin: germline.
Comment: The p.S631A variant (also known as c.1891T>G), located in coding exon 13 of the NPAT gene, results from a T to G substitution at nucleotide position 1891. The serine at codon 631 is replaced by alanine, an amino acid with similar properties. This amino acid position is conserved. In addition, this alteration is predicted to be tolerated by in silico analysis. Based on the available evidence, the clinical significance of this variant remains unclear.

NM_002519.3(NPAT):c.1891T>G (p.Ser631Ala)

Gene: NPAT (nuclear protein, coactivator of histone transcription; minus strand). Cytogenetic location: 11q22.3.
Variant type: single nucleotide variant.
Coding change: c.1891T>G on transcript NM_002519.3 (MANE Select); coding-DNA position 1891, T replaced by G.
Protein change: p.Ser631Ala; replaces serine 631 with alanine.
Molecular consequence: missense variant.
Genome position (GRCh38, 1-based): chr11:108,173,093, A>C on the plus strand (T>G on the coding strand, the complement: NPAT is on the minus strand). VCF-style: chr11-108173093-A-C. GRCh37 (hg19) VCF-style: chr11-108043820-A-C.
Other names: c.1891T>G, p.Ser631Ala (NM_001321307.1); short protein forms S631A.
Identifiers: ClinVar variation 3407165 (VCV003407165.1).
Genomic context (GRCh38, chr11:108,173,093, plus strand): 5'-CTTCATTTTCTGTATGATTTAACTCAACAGATGCTGAATCATTAGATGGTTGTTTAGTAG[A>C]AGACAGCGAATCTCCAAGATGAATTTCTACTTGTCCAGATACATTTAAATGTGAACTTTC-3'
Protein context (NP_002510.2, residues 621-641): VEIHLGDSLS[Ser631Ala]TKQPSNDSAS